The following is an entry in ClinVar:

ClinVar aggregate classification (germline): Uncertain significance (1 of 4 stars; one submission).

Conditions:
Shprintzen-Goldberg syndrome (SGS). Also called: Marfanoid disorder with craniosynostosis type 1; Marfanoid craniosynostosis syndrome; Shprintzen-Goldberg marfanoid syndrome; SHPRINTZEN-GOLDBERG CRANIOSYNOSTOSIS SYNDROME; CRANIOSYNOSTOSIS WITH ARACHNODACTYLY AND ABDOMINAL HERNIAS. Identifiers: Orphanet 2462, MedGen C1321551, MONDO:0008426, OMIM 182212.

Submission:

Labcorp Genetics (formerly Invitae), Labcorp
Classification: Uncertain significance for Shprintzen-Goldberg syndrome. Last evaluated: 2024-02-17. Review status: criteria provided, single submitter. Criteria: Invitae Variant Classification Sherloc (09022015). Collection method: clinical testing. Allele origin: germline.
Comment: This sequence change replaces proline, which is neutral and non-polar, with serine, which is neutral and polar, at codon 502 of the SKI protein (p.Pro502Ser). This variant is not present in population databases (gnomAD no frequency). This variant has not been reported in the literature in individuals affected with SKI-related conditions. Advanced modeling of protein sequence and biophysical properties (such as structural, functional, and spatial information, amino acid conservation, physicochemical variation, residue mobility, and thermodynamic stability) has been performed at Invitae for this missense variant, however the output from this modeling did not meet the statistical confidence thresholds required to predict the impact of this variant on SKI protein function. In summary, the available evidence is currently insufficient to determine the role of this variant in disease. Therefore, it has been classified as a Variant of Uncertain Significance.

NM_003036.4(SKI):c.1504C>T (p.Pro502Ser)

Gene: SKI (SKI proto-oncogene; plus strand). Cytogenetic location: 1p36.32.
Variant type: single nucleotide variant.
Coding change: c.1504C>T on transcript NM_003036.4 (MANE Select); coding-DNA position 1504, C replaced by T.
Protein change: p.Pro502Ser; replaces proline 502 with serine.
Molecular consequence: missense variant.
Genome position (GRCh38, 1-based): chr1:2,304,322, C>T. VCF-style: chr1-2304322-C-T. GRCh37 (hg19) VCF-style: chr1-2235761-C-T.
Other names: short protein forms P502S.
Identifiers: ClinVar variation 3642172 (VCV003642172.2).